The following is an entry in ClinVar:

ClinVar aggregate classification (germline): Uncertain significance (1 of 4 stars; one submission).

Conditions:
Hereditary pancreatitis (PCTT). Also called: Hereditary chronic pancreatitis; PRSS1-Related Hereditary Pancreatitis. Identifiers: Orphanet 676, MedGen C0238339, MONDO:0008185, OMIM 167800.

Submission:

Ambry Genetics
Classification: Uncertain significance for Hereditary pancreatitis. Last evaluated: 2025-11-04. Review status: criteria provided, single submitter. Criteria: Ambry Variant Classification Scheme 2023. Collection method: clinical testing. Allele origin: germline.
Comment: The p.V86A variant (also known as c.257T>C), located in coding exon 4 of the CTRC gene, results from a T to C substitution at nucleotide position 257. The valine at codon 86 is replaced by alanine, an amino acid with similar properties. This amino acid position is conserved. In addition, this alteration is predicted to be tolerated by in silico analysis. Based on the available evidence, the clinical significance of this variant remains unclear.

NM_007272.3(CTRC):c.257T>C (p.Val86Ala)

Gene: CTRC (chymotrypsin C; plus strand). Cytogenetic location: 1p36.21.
Variant type: single nucleotide variant.
Coding change: c.257T>C on transcript NM_007272.3 (MANE Select); coding-DNA position 257, T replaced by C.
Protein change: p.Val86Ala; replaces valine 86 with alanine.
Molecular consequence: missense variant.
Genome position (GRCh38, 1-based): chr1:15,442,473, T>C. VCF-style: chr1-15442473-T-C. GRCh37 (hg19) VCF-style: chr1-15768969-T-C.
Other names: short protein forms V86A.
Identifiers: ClinVar variation 4560224 (VCV004560224.1).